The following is an entry in ClinVar:

ClinVar aggregate classification (germline): Uncertain significance (1 of 4 stars; one submission).

Conditions:
Propionic acidemia (PROP). Also called: GLYCINEMIA, KETOTIC; HYPERGLYCINEMIA WITH KETOACIDOSIS AND LEUKOPENIA; KETOTIC HYPERGLYCINEMIA. Identifiers: Orphanet 35, MedGen C0268579, MONDO:0011628, OMIM 606054, HP:0003571.

Submission:

Labcorp Genetics (formerly Invitae), Labcorp
Classification: Uncertain significance for Propionic acidemia. Last evaluated: 2021-08-20. Review status: criteria provided, single submitter. Criteria: Invitae Variant Classification Sherloc (09022015). Collection method: clinical testing. Allele origin: germline.
Comment: This sequence change replaces glutamic acid with aspartic acid at codon 309 of the PCCB protein (p.Glu309Asp). The glutamic acid residue is highly conserved and there is a small physicochemical difference between glutamic acid and aspartic acid. This variant is not present in population databases (ExAC no frequency). This variant has not been reported in the literature in individuals affected with PCCB-related conditions. Algorithms developed to predict the effect of missense changes on protein structure and function are either unavailable or do not agree on the potential impact of this missense change (SIFT: "Deleterious"; PolyPhen-2: "Benign"; Align-GVGD: "Class C35"). In summary, the available evidence is currently insufficient to determine the role of this variant in disease. Therefore, it has been classified as a Variant of Uncertain Significance.

NM_000532.5(PCCB):c.927A>C (p.Glu309Asp)

Gene: PCCB (propionyl-CoA carboxylase subunit beta; plus strand). Cytogenetic location: 3q22.3.
Variant type: single nucleotide variant.
Coding change: c.927A>C on transcript NM_000532.5 (MANE Select); coding-DNA position 927, A replaced by C.
Protein change: p.Glu309Asp; replaces glutamic acid 309 with aspartic acid.
Molecular consequence: missense variant.
Genome position (GRCh38, 1-based): chr3:136,301,072, A>C. VCF-style: chr3-136301072-A-C. GRCh37 (hg19) VCF-style: chr3-136019914-A-C.
Other names: c.987A>C, p.Glu329Asp (NM_001178014.2); short protein forms E309D, E329D.
Identifiers: ClinVar variation 1020466 (VCV001020466.6), dbSNP rs1934256655, ClinGen allele CA354645675.